The following is an entry in ClinVar:

NM_198129.4(LAMA3):c.7481+1G>T

Gene: LAMA3 (laminin subunit alpha 3; plus strand). Cytogenetic location: 18q11.2.
Variant type: single nucleotide variant.
Coding change: c.7481+1G>T on transcript NM_198129.4 (MANE Select); the canonical splice donor site of the intron after coding-DNA position 7481, G replaced by T.
Molecular consequence: splice donor variant.
Genome position (GRCh38, 1-based): chr18:23,914,562, G>T. VCF-style: chr18-23914562-G-T. GRCh37 (hg19) VCF-style: chr18-21494526-G-T.
Other names: c.7313+1G>T (NM_001127717.4); c.2654+1G>T (NM_000227.6); c.2486+1G>T (NM_001127718.4).
Identifiers: ClinVar variation 650425 (VCV000650425.7), dbSNP rs1599082889, ClinGen allele CA402056735.

ClinVar aggregate classification (germline): Likely pathogenic (1 of 4 stars; one submission).

Submission:

Labcorp Genetics (formerly Invitae), Labcorp
Classification: Likely pathogenic. Last evaluated: 2018-10-25. Review status: criteria provided, single submitter. Criteria: Invitae Variant Classification Sherloc (09022015). Collection method: clinical testing. Allele origin: germline.
Comment: In summary, the currently available evidence indicates that the variant is pathogenic, but additional data are needed to prove that conclusively. Therefore, this variant has been classified as Likely Pathogenic. Donor and acceptor splice site variants typically lead to a loss of protein function (PMID: 16199547), and loss-of-function variants in LAMA3 are known to be pathogenic (PMID: 10366601, 11810295, 12915477, 16473856, 17362460, 23869449, 28087116). This variant has not been reported in the literature in individuals with LAMA3-related disease. This variant is not present in population databases (ExAC no frequency). This sequence change affects a donor splice site in intron 20 of the LAMA3 gene. It is expected to disrupt RNA splicing and likely results in an absent or disrupted protein product.

Literature cited by the submitters: PubMed 16199547; PubMed 10366601; PubMed 11810295; PubMed 12915477; PubMed 16473856; PubMed 17362460; PubMed 23869449; PubMed 28087116.